The following is an entry in ClinVar:

NM_000256.3(MYBPC3):c.2505C>T (p.Arg835=)

Gene: MYBPC3 (myosin binding protein C3; minus strand). Cytogenetic location: 11p11.2.
Variant type: single nucleotide variant.
Coding change: c.2505C>T on transcript NM_000256.3 (MANE Select); coding-DNA position 2505, C replaced by T.
Protein change: p.Arg835=; no amino-acid change (arginine 835 retained).
Molecular consequence: synonymous variant.
Genome position (GRCh38, 1-based): chr11:47,337,488, G>A on the plus strand (C>T on the coding strand, the complement: MYBPC3 is on the minus strand). VCF-style: chr11-47337488-G-A. GRCh37 (hg19) VCF-style: chr11-47359039-G-A.
Identifiers: ClinVar variation 2496872 (VCV002496872.4), dbSNP rs561942028, ClinGen allele CA078771.

ClinVar aggregate classification (germline): Likely benign. Review status: criteria provided, multiple submitters, no conflicts (2 of 4 stars). 3 submissions from 3 submitters: Likely benign (3). Last evaluated 2024-11-27.

Conditions:
Cardiovascular phenotype. Identifiers: MedGen CN230736.
Hypertrophic cardiomyopathy. Also called: HYPERTROPHIC MYOCARDIOPATHY. Identifiers: Orphanet 217569, MedGen C0007194, MeSH D002312, MONDO:0005045, HP:0001639.

Allele frequency attached by ClinVar (database versions not stated): gnomAD 0.00004; TOPMed 0.00005; ExAC 0.00007; 1000 Genomes Project 30x 0.00031; 1000 Genomes Project 0.00040.
gnomAD v4.1: 36 of 1,613,972 alleles (0.0022%); highest among the groups gnomAD compares: East Asian, 0.071%; no homozygotes.

Submissions (3):

Blueprint Genetics
Classification: Likely benign. Last evaluated: 2024-11-27. Review status: criteria provided, single submitter. Criteria: ACMG Guidelines, 2015. Collection method: clinical testing. Allele origin: germline.

All of Us Research Program, National Institutes of Health
Classification: Likely benign for Hypertrophic cardiomyopathy. Last evaluated: 2023-12-13. Review status: criteria provided, single submitter. Criteria: ACMG Guidelines, 2015. Collection method: clinical testing. Allele origin: germline. Inheritance: Autosomal dominant inheritance. Observed: 5 variant alleles, 5 heterozygotes.
Comment: This study involves interpretation of variants in research participants for the purpose of population health screening. Participant phenotype was not available at the time of variant classification. Additional details can be found in publication PMID: 35346344, PMCID: PMC8962531

Ambry Genetics
Classification: Likely benign for Cardiovascular phenotype. Last evaluated: 2022-12-14. Review status: criteria provided, single submitter. Criteria: Ambry Variant Classification Scheme 2023. Collection method: clinical testing. Allele origin: germline.